The following is an entry in ClinVar:

NM_001378452.1(ITPR1):c.5576A>C (p.Lys1859Thr)

Gene: ITPR1 (inositol 1,4,5-trisphosphate receptor type 1; plus strand). Cytogenetic location: 3p26.1.
Variant type: single nucleotide variant.
Coding change: c.5576A>C on transcript NM_001378452.1 (MANE Select); coding-DNA position 5576, A replaced by C.
Protein change: p.Lys1859Thr; replaces lysine 1859 with threonine.
Molecular consequence: missense variant.
Genome position (GRCh38, 1-based): chr3:4,766,561, A>C. VCF-style: chr3-4766561-A-C. GRCh37 (hg19) VCF-style: chr3-4808245-A-C.
Other names: c.5432A>C, p.Lys1811Thr (NM_001099952.4); c.5531A>C, p.Lys1844Thr (NM_001168272.2); c.5387A>C, p.Lys1796Thr (NM_002222.7); short protein forms K1811T, K1796T, K1844T, K1859T.
Identifiers: ClinVar variation 2761461 (VCV002761461.3), dbSNP rs2470038171, ClinGen allele CA351633347.
Genomic context (GRCh38, chr3:4,766,561, plus strand): 5'-GTTCACAATCTATGGATTTTCCTTTGCAGCACTCCTTTTTCTGTCGCTTGACAGAAGATA[A>C]GAAGTCAGAGAAATTCTTTAAGGTGTTTTATGACCGGATGAAGGTGGCCCAGCAAGAAAT-3'
Protein context (NP_001365381.1, residues 1849-1869): HSFFCRLTED[Lys1859Thr]KSEKFFKVFY

ClinVar aggregate classification (germline): Uncertain significance (1 of 4 stars; one submission).

Submission:

Labcorp Genetics (formerly Invitae), Labcorp
Classification: Uncertain significance. Last evaluated: 2024-01-02. Review status: criteria provided, single submitter. Criteria: Invitae Variant Classification Sherloc (09022015). Collection method: clinical testing. Allele origin: germline.
Comment: This sequence change replaces lysine, which is basic and polar, with threonine, which is neutral and polar, at codon 1796 of the ITPR1 protein (p.Lys1796Thr). This variant is not present in population databases (gnomAD no frequency). This variant has not been reported in the literature in individuals affected with ITPR1-related conditions. Advanced modeling of protein sequence and biophysical properties (such as structural, functional, and spatial information, amino acid conservation, physicochemical variation, residue mobility, and thermodynamic stability) has been performed at Invitae for this missense variant, however the output from this modeling did not meet the statistical confidence thresholds required to predict the impact of this variant on ITPR1 protein function. In summary, the available evidence is currently insufficient to determine the role of this variant in disease. Therefore, it has been classified as a Variant of Uncertain Significance.